The following is an entry in ClinVar:

NM_001330260.2(SCN8A):c.3167A>G (p.Asn1056Ser)

Gene: SCN8A (sodium voltage-gated channel alpha subunit 8; plus strand). Cytogenetic location: 12q13.13.
Variant type: single nucleotide variant.
Coding change: c.3167A>G on transcript NM_001330260.2 (MANE Select); coding-DNA position 3167, A replaced by G.
Protein change: p.Asn1056Ser; replaces asparagine 1056 with serine.
Molecular consequence: missense variant.
Genome position (GRCh38, 1-based): chr12:51,769,130, A>G. VCF-style: chr12-51769130-A-G. GRCh37 (hg19) VCF-style: chr12-52162914-A-G.
Other names: c.3167A>G, p.Asn1056Ser (NM_001177984.3, NM_001369788.1, NM_014191.4); short protein forms N1056S.
Identifiers: ClinVar variation 4801280 (VCV004801280.1).

ClinVar aggregate classification (germline): Uncertain significance (1 of 4 stars; one submission).

Conditions:
Early-infantile DEE. Also called: Early infantile epileptic encephalopathy with suppression bursts; Early infantile epileptic encephalopathy; Ohtahara syndrome. Identifiers: Orphanet 1934, MedGen C0393706, MONDO:0800491.

gnomAD v4.1: 1 of 1,613,478 alleles (0.000062%); highest among the groups gnomAD compares: Non-Finnish European, 0.000085%; no homozygotes.

Submission:

Labcorp Genetics (formerly Invitae), Labcorp
Classification: Uncertain significance for Early-infantile DEE. Last evaluated: 2026-01-13. Review status: criteria provided, single submitter. Criteria: Invitae Variant Classification Sherloc (09022015). Collection method: clinical testing. Allele origin: germline.
Comment: This sequence change replaces asparagine, which is neutral and polar, with serine, which is neutral and polar, at codon 1056 of the SCN8A protein (p.Asn1056Ser). This variant is present in population databases (rs779955579, gnomAD 0.0009%). This variant has not been reported in the literature in individuals affected with SCN8A-related conditions. Invitae Evidence Modeling of protein sequence and biophysical properties (such as structural, functional, and spatial information, amino acid conservation, physicochemical variation, residue mobility, and thermodynamic stability) indicates that this missense variant is not expected to disrupt SCN8A protein function with a negative predictive value of 95%. In summary, the available evidence is currently insufficient to determine the role of this variant in disease. Therefore, it has been classified as a Variant of Uncertain Significance.